The following is an entry in ClinVar:

ClinVar aggregate classification (germline): Uncertain significance (1 of 4 stars; one submission).

Conditions:
Aicardi-Goutieres syndrome 3. Identifiers: Orphanet 51, MedGen C1835916, MONDO:0012471, OMIM 610329.

Allele frequency attached by ClinVar (database versions not stated): gnomAD 0.00001; gnomAD exomes 0.00001; TOPMed 0.00001.
gnomAD v4.1: 16 of 1,542,094 alleles (0.001%); highest among the groups gnomAD compares: Non-Finnish European, 0.0013%; no homozygotes.

Submission:

Labcorp Genetics (formerly Invitae), Labcorp
Classification: Uncertain significance for Aicardi-Goutieres syndrome 3. Last evaluated: 2021-06-07. Review status: criteria provided, single submitter. Criteria: Invitae Variant Classification Sherloc (09022015). Collection method: clinical testing. Allele origin: germline.
Comment: This variant has not been reported in the literature in individuals with RNASEH2C-related conditions. The frequency data for this variant in the population databases is considered unreliable, as metrics indicate insufficient coverage at this position in the ExAC database. In summary, the available evidence is currently insufficient to determine the role of this variant in disease. Therefore, it has been classified as a Variant of Uncertain Significance. Algorithms developed to predict the effect of missense changes on protein structure and function are either unavailable or do not agree on the potential impact of this missense change (SIFT: "Tolerated"; PolyPhen-2: "Probably Damaging"; Align-GVGD: "Class C0"). This sequence change replaces alanine with threonine at codon 51 of the RNASEH2C protein (p.Ala51Thr). The alanine residue is moderately conserved and there is a small physicochemical difference between alanine and threonine.

NM_032193.4(RNASEH2C):c.151G>A (p.Ala51Thr)

Genes: RNASEH2C (ribonuclease H2 subunit C; minus strand), LOC130006061 (ATAC-STARR-seq lymphoblastoid silent region 3553; plus strand). Cytogenetic location: 11q13.1.
Variant type: single nucleotide variant.
Coding change: c.151G>A on transcript NM_032193.4 (MANE Select); coding-DNA position 151, G replaced by A.
Protein change: p.Ala51Thr; replaces alanine 51 with threonine.
Molecular consequence: missense variant.
Genome position (GRCh38, 1-based): chr11:65,720,608, C>T on the plus strand (G>A on the coding strand, the complement: RNASEH2C is on the minus strand). VCF-style: chr11-65720608-C-T. GRCh37 (hg19) VCF-style: chr11-65488079-C-T.
Other names: short protein forms A51T.
Identifiers: ClinVar variation 1374492 (VCV001374492.8), dbSNP rs912731829, ClinGen allele CA224000096.
Genomic context (GRCh38, chr11:65,720,608, plus strand): 5'-GGGGGCTGCCGGGAGCCGTAGTCCGGCCGCAGGGCTCACCCTCGGGGCCCTGGCGGATGG[C>T]GGGCGTGAAGAAGCGCCCCACCGGGGCGGGCCCGTCCACCGCAACCTCGCAGGGCAGCAG-3'
Protein context (NP_115569.2, residues 41-61): PAPVGRFFTP[Ala51Thr]IRQGPEGLEV